The following is an entry in ClinVar:

NM_006015.6(ARID1A):c.3506C>T (p.Pro1169Leu)

Genes: ARID1A (AT-rich interaction domain 1A; plus strand), LOC126805670 (CDK7 strongly-dependent group 2 enhancer GRCh37_chr1:27098665-27099864; plus strand). Cytogenetic location: 1p36.11.
Variant type: single nucleotide variant.
Coding change: c.3506C>T on transcript NM_006015.6 (MANE Select); coding-DNA position 3506, C replaced by T.
Protein change: p.Pro1169Leu; replaces proline 1169 with leucine.
Molecular consequence: missense variant.
Genome position (GRCh38, 1-based): chr1:26,772,599, C>T. VCF-style: chr1-26772599-C-T. GRCh37 (hg19) VCF-style: chr1-27099090-C-T.
Other names: c.3506C>T, p.Pro1169Leu (NM_139135.4); short protein forms P1169L.
Identifiers: ClinVar variation 2576068 (VCV002576068.4), dbSNP rs1482721698, ClinGen allele CA339166421.
Genomic context (GRCh38, chr1:26,772,599, plus strand): 5'-CAACCAGCAGTTCCATGGCAGAAGGAGGAGACTTAAAGCCACCAACTCCAGCATCCACAC[C>T]ACACAGTCAGATCCCCCCATTGCCAGGCATGAGGTAAGGCCAAGAGCAGGGGCAGATGGT-3'
Protein context (NP_006006.3, residues 1159-1179): DLKPPTPAST[Pro1169Leu]HSQIPPLPGM

ClinVar aggregate classification (germline): Uncertain significance. Review status: criteria provided, multiple submitters, no conflicts (2 of 4 stars). 3 submissions from 3 submitters: Uncertain significance (3). Last evaluated 2026-04-06.

Allele frequency attached by ClinVar (database versions not stated): TOPMed below 0.00001; gnomAD 0.00001.
gnomAD v4.1: 1 of 1,614,090 alleles (0.000062%); highest among the groups gnomAD compares: Non-Finnish European, 0.000085%; no homozygotes.

Submissions (3):

GeneDx
Classification: Uncertain significance. Last evaluated: 2026-04-06. Review status: criteria provided, single submitter. Criteria: GeneDx Variant Classification Process June 2021. Collection method: clinical testing. Allele origin: germline.
Comment: Not observed at significant frequency in large population cohorts (gnomAD); In silico analysis supports that this missense variant has a deleterious effect on protein structure/function; Has not been previously published as pathogenic or benign to our knowledge

Labcorp Genetics (formerly Invitae), Labcorp
Classification: Uncertain significance. Last evaluated: 2024-10-10. Review status: criteria provided, single submitter. Criteria: Invitae Variant Classification Sherloc (09022015). Collection method: clinical testing. Allele origin: germline.
Comment: This sequence change replaces proline, which is neutral and non-polar, with leucine, which is neutral and non-polar, at codon 1169 of the ARID1A protein (p.Pro1169Leu). This variant is not present in population databases (gnomAD no frequency). This variant has not been reported in the literature in individuals affected with ARID1A-related conditions. ClinVar contains an entry for this variant (Variation ID: 2576068). Invitae Evidence Modeling of protein sequence and biophysical properties (such as structural, functional, and spatial information, amino acid conservation, physicochemical variation, residue mobility, and thermodynamic stability) indicates that this missense variant is expected to disrupt ARID1A protein function with a positive predictive value of 80%. In summary, the available evidence is currently insufficient to determine the role of this variant in disease. Therefore, it has been classified as a Variant of Uncertain Significance.

Institute for Clinical Genetics, University Hospital TU Dresden, University Hospital TU Dresden
Classification: Uncertain significance. Last evaluated: 2022-12-13. Review status: criteria provided, single submitter. Criteria: ACMG Guidelines, 2015. Collection method: clinical testing. Allele origin: maternal.